The following is an entry in ClinVar:

NM_182961.4(SYNE1):c.15917+112C>T

Gene: SYNE1 (spectrin repeat containing nuclear envelope protein 1; minus strand). Cytogenetic location: 6q25.2.
Variant type: single nucleotide variant.
Coding change: c.15917+112C>T on transcript NM_182961.4 (MANE Select); 112 bases into the intron after coding-DNA position 15917, C replaced by T.
Molecular consequence: intron variant.
Genome position (GRCh38, 1-based): chr6:152,323,366, G>A on the plus strand (C>T on the coding strand, the complement: SYNE1 is on the minus strand). VCF-style: chr6-152323366-G-A. GRCh37 (hg19) VCF-style: chr6-152644501-G-A.
Other names: c.15704+112C>T (NM_033071.5).
Identifiers: ClinVar variation 674410 (VCV000674410.1), dbSNP rs112635596, ClinGen allele CA150216039.

ClinVar aggregate classification (germline): Benign (1 of 4 stars; one submission).

Allele frequency attached by ClinVar (database versions not stated): 1000 Genomes Project 0.06669; TOPMed 0.06773; 1000 Genomes Project 30x 0.07152.
gnomAD v4.1: 18,515 of 1,489,984 alleles (1.2%); highest among the groups gnomAD compares: African/African-American, 22%; 1,806 homozygotes.

Submission:

GeneDx
Classification: Benign. Last evaluated: 2018-06-16. Review status: criteria provided, single submitter. Criteria: GeneDx Variant Classification (06012015). Collection method: clinical testing. Allele origin: germline. Affected: yes.
Comment: This variant is considered likely benign or benign based on one or more of the following criteria: it is a conservative change, it occurs at a poorly conserved position in the protein, it is predicted to be benign by multiple in silico algorithms, and/or has population frequency not consistent with disease.